The following is an entry in ClinVar:

ClinVar aggregate classification (germline): Uncertain significance (1 of 4 stars; one submission).

Conditions:
Inborn genetic diseases. Identifiers: MedGen C0950123, MeSH D030342.

gnomAD v4.1: 1 of 1,613,284 alleles (0.000062%); highest among the groups gnomAD compares: African/African-American, 0.0013%; no homozygotes.

Submission:

Ambry Genetics
Classification: Uncertain significance for Inborn genetic diseases. Last evaluated: 2026-08-01. Review status: criteria provided, single submitter. Criteria: Ambry Variant Classification Scheme 2023. Collection method: clinical testing. Allele origin: germline.
Comment: The p.S244P variant (also known as c.730T>C), located in coding exon 5 of the ELANE gene, results from a T to C substitution at nucleotide position 730. The serine at codon 244 is replaced by proline, an amino acid with similar properties. This amino acid position is conserved. In addition, the in silico prediction for this alteration is inconclusive. Based on the available evidence, the clinical significance of this variant remains unclear.

NM_001972.4(ELANE):c.730T>C (p.Ser244Pro)

Gene: ELANE (elastase, neutrophil expressed; plus strand). Cytogenetic location: 19p13.3.
Variant type: single nucleotide variant.
Coding change: c.730T>C on transcript NM_001972.4 (MANE Select); coding-DNA position 730, T replaced by C.
Protein change: p.Ser244Pro; replaces serine 244 with proline.
Molecular consequence: missense variant.
Genome position (GRCh38, 1-based): chr19:856,090, T>C. VCF-style: chr19-856090-T-C. GRCh37 (hg19) VCF-style: chr19-856090-T-C.
Other names: short protein forms S244P.
Identifiers: ClinVar variation 5035892 (VCV005035892.1).
Genomic context (GRCh38, chr19:856,090, plus strand): 5'-GCCTCAGGGCTCTACCCCGATGCCTTTGCCCCGGTGGCACAGTTTGTAAACTGGATCGAC[T>C]CTATCATCCAACGCTCCGAGGACAACCCCTGTCCCCACCCCCGGGACCCGGACCCGGCCA-3'
Protein context (NP_001963.1, residues 234-254): PVAQFVNWID[Ser244Pro]IIQRSEDNPC